The following is an entry in ClinVar:

NM_033305.3(VPS13A):c.4834C>G (p.Pro1612Ala)

Gene: VPS13A (vacuolar protein sorting 13 homolog A; plus strand). Cytogenetic location: 9q21.2.
Variant type: single nucleotide variant.
Coding change: c.4834C>G on transcript NM_033305.3 (MANE Select); coding-DNA position 4834, C replaced by G.
Protein change: p.Pro1612Ala; replaces proline 1612 with alanine.
Molecular consequence: missense variant.
Genome position (GRCh38, 1-based): chr9:77,316,377, C>G. VCF-style: chr9-77316377-C-G. GRCh37 (hg19) VCF-style: chr9-79931293-C-G.
Other names: c.4717C>G, p.Pro1573Ala (NM_001018037.2); c.4834C>G, p.Pro1612Ala (NM_001018038.3, NM_015186.4); c.4834C>G (NM_033305.2); short protein forms P1612A, P1573A.
Identifiers: ClinVar variation 2192703 (VCV002192703.2), dbSNP rs1829389371, ClinGen allele CA373857632.

ClinVar aggregate classification (germline): Uncertain significance. Review status: criteria provided, multiple submitters, no conflicts (2 of 4 stars). 2 submissions from 2 submitters: Uncertain significance (2). Last evaluated 2024-01-24.

Conditions:
Inborn genetic diseases. Identifiers: MedGen C0950123, MeSH D030342.

Allele frequency attached by ClinVar (database versions not stated): TOPMed below 0.00001.

Submissions (2):

Ambry Genetics
Classification: Uncertain significance for Inborn genetic diseases. Last evaluated: 2024-01-24. Review status: criteria provided, single submitter. Criteria: Ambry Variant Classification Scheme 2023. Collection method: clinical testing. Allele origin: germline.

Labcorp Genetics (formerly Invitae), Labcorp
Classification: Uncertain significance. Last evaluated: 2022-09-27. Review status: criteria provided, single submitter. Criteria: Invitae Variant Classification Sherloc (09022015). Collection method: clinical testing. Allele origin: germline.
Comment: This sequence change replaces proline, which is neutral and non-polar, with alanine, which is neutral and non-polar, at codon 1612 of the VPS13A protein (p.Pro1612Ala). This variant is not present in population databases (gnomAD no frequency). This variant has not been reported in the literature in individuals affected with VPS13A-related conditions. Algorithms developed to predict the effect of missense changes on protein structure and function (SIFT, PolyPhen-2, Align-GVGD) all suggest that this variant is likely to be tolerated. In summary, the available evidence is currently insufficient to determine the role of this variant in disease. Therefore, it has been classified as a Variant of Uncertain Significance.